The following is an entry in ClinVar:

ClinVar aggregate classification (germline): Conflicting classifications of pathogenicity. Review status: criteria provided, conflicting classifications (1 of 4 stars). 6 submissions from 6 submitters: Uncertain significance (5); Likely benign (1). Last evaluated 2026-10-01.

Conditions:
Hereditary cancer-predisposing syndrome. Also called: Hereditary Cancer Syndrome; Neoplastic Syndromes, Hereditary; Hereditary neoplastic syndrome; Tumor predisposition. Identifiers: Orphanet 140162, MedGen C0027672, MeSH D009386, MONDO:0015356.
SMARCA4-related disorder. Also called: SMARCA4-related condition.
Rhabdoid tumor predisposition syndrome 2 (RTPS2). Identifiers: Orphanet 231108, Orphanet 69077, MedGen C2750074, MONDO:0013224, OMIM 613325.

Allele frequency attached by ClinVar (database versions not stated): ExAC 0.00001; gnomAD 0.00001; TOPMed 0.00002; ESP Exome Variant Server 0.00008.
gnomAD v4.1: 7 of 1,612,344 alleles (0.00043%); highest among the groups gnomAD compares: South Asian, 0.0011%; no homozygotes.

Submissions (6):

St. Jude Molecular Pathology, St. Jude Children's Research Hospital
Classification: Uncertain significance for Rhabdoid tumor predisposition syndrome 2. Last evaluated: 2026-10-01. Review status: criteria provided, single submitter. Criteria: St. Jude Assertion Criteria 2020. Collection method: clinical testing. Allele origin: germline.
Comment: The SMARCA4 c.4388G>A p.(Arg1463His) missense change is absent in gnomAD v2.1.1. The in silico tool REVEL is inconclusive about a pathogenic or benign effect of this variant on pro tein function, and to our knowledge functional studies have not been performed. To our knowledge, this variant has not been reported in individuals with rhabdoid tumor predisposition syndrome. In summary, the evidence currently available is insufficient to determine the clinical significance of this variant. It has therefore been classified as of uncertain significance.

PreventionGenetics, part of Exact Sciences
Classification: Uncertain significance for SMARCA4-related condition. Last evaluated: 2025-10-14. Review status: criteria provided, single submitter. Criteria: ACMG Guidelines, 2015. Collection method: clinical testing. Allele origin: germline.
Comment: The SMARCA4 c.4388G>A variant is predicted to result in the amino acid substitution p.Arg1463His. This variant has been reported in a patient with neurodevelopmental disorder (Table S1, Valencia et al. 2023. PubMed ID: 37500730). This variant has not been reported in a large population database (gnomAD), indicating this variant is rare. At this time, the clinical significance of this variant is uncertain due to the absence of conclusive functional and genetic evidence.

Labcorp Genetics (formerly Invitae), Labcorp
Classification: Uncertain significance for Rhabdoid tumor predisposition syndrome 2. Last evaluated: 2025-08-30. Review status: criteria provided, single submitter. Criteria: Invitae Variant Classification Sherloc (09022015). Collection method: clinical testing. Allele origin: germline.
Comment: This sequence change replaces arginine, which is basic and polar, with histidine, which is basic and polar, at codon 1463 of the SMARCA4 protein (p.Arg1463His). This variant is present in population databases (rs377573682, gnomAD 0.0009%). This missense change has been observed in individual(s) with a neurodevelopmental disorder (PMID: 37500730). This variant is also known as c.4292G>A, p.R1431H. ClinVar contains an entry for this variant (Variation ID: 537830). An algorithm developed to predict the effect of missense changes on protein structure and function (PolyPhen-2) suggests that this variant is likely to be disruptive. In summary, the available evidence is currently insufficient to determine the role of this variant in disease. Therefore, it has been classified as a Variant of Uncertain Significance.

GeneDx
Classification: Uncertain significance. Last evaluated: 2023-10-08. Review status: criteria provided, single submitter. Criteria: GeneDx Variant Classification Process June 2021. Collection method: clinical testing. Allele origin: germline.
Comment: Not observed at significant frequency in large population cohorts (gnomAD); In silico analysis supports that this missense variant does not alter protein structure/function; Has not been previously published as pathogenic or benign to our knowledge; This variant is associated with the following publications: (PMID: 25169753)

Baylor Genetics
Classification: Uncertain significance for Rhabdoid tumor predisposition syndrome 2. Last evaluated: 2023-08-20. Review status: criteria provided, single submitter. Criteria: ACMG Guidelines, 2015. Collection method: clinical testing. Allele origin: unknown.

Ambry Genetics
Classification: Likely benign for Hereditary cancer-predisposing syndrome. Last evaluated: 2022-06-06. Review status: criteria provided, single submitter. Criteria: Ambry Variant Classification Scheme 2023. Collection method: clinical testing. Allele origin: germline.

Literature cited by the submitters: PubMed 37500730 (cited by Labcorp Genetics (formerly Invitae), Labcorp).

NM_003072.5(SMARCA4):c.4292G>A (p.Arg1431His)

Gene: SMARCA4 (SWI/SNF related BAF chromatin remodeling complex subunit ATPase 4; plus strand). Cytogenetic location: 19p13.2.
Variant type: single nucleotide variant.
Coding change: c.4292G>A on transcript NM_003072.5 (MANE Select); coding-DNA position 4292, G replaced by A.
Protein change: p.Arg1431His; replaces arginine 1431 with histidine.
Molecular consequence: missense variant. On other transcripts: non-coding transcript variant (1).
Genome position (GRCh38, 1-based): chr19:11,041,428, G>A. VCF-style: chr19-11041428-G-A. GRCh37 (hg19) VCF-style: chr19-11152104-G-A.
Other names: c.4292G>A, p.Arg1431His (NM_001128844.3); c.4202G>A, p.Arg1401His (NM_001128845.2, NM_001128846.2); c.4193G>A, p.Arg1398His (NM_001128847.4, NM_001128848.2, NM_001374457.1); c.4388G>A, p.Arg1463His (NM_001128849.3, NM_001387283.1); c.4388G>A (NM_001128849.2); short protein forms R1463H, R1398H, R1401H, R1431H.
Identifiers: ClinVar variation 537830 (VCV000537830.15), dbSNP rs377573682, ClinGen allele CA9204692.
Genomic context (GRCh38, chr19:11,041,428, plus strand): 5'-GGAAGCGCAAGCGAGACAGCGACGCCGGCTCCTCCACCCCGACCACCAGCACCCGCAGCC[G>A]CGACAAGGACGACGAGAGCAAGAAGCAGAAGAAGCGCGGGCGGCCGCCTGCCGAGAAACT-3'
Protein context (NP_003063.2, residues 1421-1441): SSTPTTSTRS[Arg1431His]DKDDESKKQK